The following is an entry in ClinVar:

ClinVar aggregate classification (germline): Conflicting classifications of pathogenicity. Review status: criteria provided, conflicting classifications (1 of 4 stars). 4 submissions from 4 submitters: Uncertain significance (2); Likely benign (1). 1 of the submissions does not count toward it. Last evaluated 2024-05-06.

Conditions:
Hereditary cancer-predisposing syndrome. Also called: Tumor predisposition; Neoplastic Syndromes, Hereditary; Hereditary Cancer Syndrome; Hereditary neoplastic syndrome. Identifiers: Orphanet 140162, MedGen C0027672, MeSH D009386, MONDO:0015356.
Breast-ovarian cancer, familial, susceptibility to, 1 (BROVCA1). Also called: OVARIAN CANCER, SUSCEPTIBILITY TO; BRCA1 Hereditary Breast and Ovarian Cancer. Identifiers: Orphanet 145, MedGen C2676676, MONDO:0011450, OMIM 604370. Disease mechanism: loss of function.

Submissions (4):

Color Diagnostics, LLC DBA Color Health
Classification: Uncertain significance for Hereditary cancer-predisposing syndrome. Last evaluated: 2024-05-06. Review status: criteria provided, single submitter. Criteria: ACMG Guidelines, 2015. Collection method: clinical testing. Allele origin: germline.
Comment: This missense variant replaces glutamic acid with glycine at codon 765 of the BRCA1 protein. Computational prediction suggests that this variant may not impact protein structure and function. To our knowledge, functional studies have not been reported for this variant. A multifactorial analysis has reported likelihood ratios for pathogenicity based on co-segregation with a pathogenic covariant and family history of 1.0331 and 3.1915, respectively (PMID: 31131967). This variant has not been identified in the general population by the Genome Aggregation Database (gnomAD). The available evidence is insufficient to determine the role of this variant in disease conclusively. Therefore, this variant is classified as a Variant of Uncertain Significance.

University of Washington Department of Laboratory Medicine, University of Washington
Classification: Likely benign for Hereditary cancer-predisposing syndrome. Last evaluated: 2023-03-23. Review status: criteria provided, single submitter. Criteria: Dines et al. (Genet Med. 2020). Collection method: curation. Allele origin: germline.
Comment: Missense variant in a coldspot region where missense variants are very unlikely to be pathogenic (PMID:31911673).

BRCA1 coldspot (exon 11 using historical exon numbering). Reclassification based on statistical prior probability

Quest Diagnostics Nichols Institute San Juan Capistrano
Classification: Uncertain significance. Last evaluated: 2021-07-30. Review status: criteria provided, single submitter. Criteria: Quest Diagnostics criteria. Collection method: clinical testing. Allele origin: unknown.

Breast Cancer Information Core (BIC) (BRCA1)
Classification: Uncertain significance for Breast-ovarian cancer, familial 1. Last evaluated: 2002-05-29. Review status: no assertion criteria provided. Collection method: clinical testing. Allele origin: germline. Affected: yes. Observed: 1 variant allele. Not counted in ClinVar's aggregate classification.

Literature cited by the submitters: PubMed 31131967 (cited by Color Diagnostics, LLC DBA Color Health); PubMed 12531920 (cited by Quest Diagnostics Nichols Institute San Juan Capistrano).

NM_007294.4(BRCA1):c.2294A>G (p.Glu765Gly)

Gene: BRCA1 (BRCA1 DNA repair associated; minus strand). Cytogenetic location: 17q21.31.
Variant type: single nucleotide variant.
Coding change: c.2294A>G on transcript NM_007294.4 (MANE Select); coding-DNA position 2294, A replaced by G.
Protein change: p.Glu765Gly; replaces glutamic acid 765 with glycine.
Molecular consequence: missense variant. On other transcripts: intron variant (137).
Genome position (GRCh38, 1-based): chr17:43,093,237, T>C on the plus strand (A>G on the coding strand, the complement: BRCA1 is on the minus strand). VCF-style: chr17-43093237-T-C. GRCh37 (hg19) VCF-style: chr17-41245254-T-C.
Other names: c.2081A>G, p.Glu694Gly (NM_001407571.1, NM_001407853.1, NM_001407894.1 and 9 more transcripts); c.2294A>G, p.Glu765Gly (NM_001407581.1, NM_001407582.1, NM_001407583.1 and 30 more transcripts); c.2291A>G, p.Glu764Gly (NM_001407587.1, NM_001407590.1, NM_001407591.1 and 22 more transcripts); c.2285A>G, p.Glu762Gly (NM_001407646.1, NM_001407647.1); c.2171A>G, p.Glu724Gly (NM_001407648.1, NM_001407664.1, NM_001407665.1 and 19 more transcripts); c.2168A>G, p.Glu723Gly (NM_001407649.1, NM_001407670.1, NM_001407671.1 and 11 more transcripts); c.2216A>G, p.Glu739Gly (NM_001407653.1, NM_001407654.1, NM_001407655.1 and 4 more transcripts); c.2213A>G, p.Glu738Gly (NM_001407659.1, NM_001407660.1, NM_001407661.1 and 1 more transcripts); and 41 more; short protein forms E765G, E718G, E469G, E637G, E676G, E677G, E739G, E638G.
Identifiers: ClinVar variation 54525 (VCV000054525.7), dbSNP rs80357085, ClinGen allele CA001526.
Genomic context (GRCh38, chr17:43,093,237, plus strand): 5'-AACGAGATACTTTCCTGAGTGCCATAATCAGTACCAGGTACCAATGAAATACTGCTACTC[T>C]CTACAGATCTTTCAGTTTGCAAAACCCTTTCTCCACTTAACATGAGATCTTTGGGGTCTT-3'
Protein context (NP_009225.1, residues 755-775): ERVLQTERSV[Glu765Gly]SSSISLVPGT